The following is an entry in ClinVar:

NM_000368.5(TSC1):c.*3833C>A

Gene: TSC1 (TSC complex subunit 1; minus strand). Cytogenetic location: 9q34.13.
Variant type: single nucleotide variant.
Coding change: c.*3833C>A on transcript NM_000368.5 (MANE Select); 3833 bases downstream of the stop codon, C replaced by A.
Molecular consequence: 3 prime UTR variant. On other transcripts: non-coding transcript variant (5).
Genome position (GRCh38, 1-based): chr9:132,892,402, G>T on the plus strand (C>A on the coding strand, the complement: TSC1 is on the minus strand). VCF-style: chr9-132892402-G-T. GRCh37 (hg19) VCF-style: chr9-135767789-G-T.
Other names: c.*3833C>A (NM_001162426.2, NM_001162427.2, NM_001362177.2 and 39 more transcripts).
Identifiers: ClinVar variation 2659661 (VCV002659661.24), dbSNP rs575812223, ClinGen allele CA200922577.

ClinVar aggregate classification (germline): Likely benign (1 of 4 stars; one submission).

Allele frequency attached by ClinVar (database versions not stated): gnomAD exomes 0.00047; TOPMed 0.00052; gnomAD 0.00055.
gnomAD v4.1: 122 of 233,240 alleles (0.052%); highest among the groups gnomAD compares: Non-Finnish European, 0.088%; no homozygotes.

Submission:

CeGaT Center for Human Genetics Tuebingen
Classification: Likely benign. Last evaluated: 2023-02-01. Review status: criteria provided, single submitter. Criteria: CeGaT Center For Human Genetics Tuebingen Variant Classification Criteria Version 2. Collection method: clinical testing. Allele origin: germline. Affected: yes. Observed: 3 variant alleles.
Comment: TSC1: BS1